The following is an entry in ClinVar:

ClinVar aggregate classification (germline): Uncertain significance. Review status: criteria provided, multiple submitters, no conflicts (2 of 4 stars). 2 submissions from 2 submitters: Uncertain significance (2). Last evaluated 2024-01-11.

Conditions:
DYRK1A-related intellectual disability syndrome (MRD7). Also called: DYRK1A Syndrome; Intellectual developmental disorder, autosomal dominant 7. Identifiers: Orphanet 464306, MedGen C5568143, MONDO:0013578, OMIM 614104.

gnomAD v4.1: 5 of 1,614,220 alleles (0.00031%); highest among the groups gnomAD compares: Non-Finnish European, 0.00034%; no homozygotes.

Submissions (2):

Labcorp Genetics (formerly Invitae), Labcorp
Classification: Uncertain significance for DYRK1A-related intellectual disability syndrome. Last evaluated: 2024-01-11. Review status: criteria provided, single submitter. Criteria: Invitae Variant Classification Sherloc (09022015). Collection method: clinical testing. Allele origin: germline.
Comment: This sequence change replaces glycine, which is neutral and non-polar, with aspartic acid, which is acidic and polar, at codon 539 of the DYRK1A protein (p.Gly539Asp). This variant is not present in population databases (gnomAD no frequency). This variant has not been reported in the literature in individuals affected with DYRK1A-related conditions. ClinVar contains an entry for this variant (Variation ID: 1708945). Advanced modeling of protein sequence and biophysical properties (such as structural, functional, and spatial information, amino acid conservation, physicochemical variation, residue mobility, and thermodynamic stability) performed at Invitae indicates that this missense variant is not expected to disrupt DYRK1A protein function with a negative predictive value of 95%. In summary, the available evidence is currently insufficient to determine the role of this variant in disease. Therefore, it has been classified as a Variant of Uncertain Significance.

GeneDx
Classification: Uncertain significance. Last evaluated: 2022-04-06. Review status: criteria provided, single submitter. Criteria: GeneDx Variant Classification Process June 2021. Collection method: clinical testing. Allele origin: germline. Affected: yes.
Comment: Has not been previously published as pathogenic or benign to our knowledge; Not observed at significant frequency in large population cohorts (gnomAD); In silico analysis supports that this missense variant does not alter protein structure/function

NM_001347721.2(DYRK1A):c.1589G>A (p.Gly530Asp)

Gene: DYRK1A (dual specificity tyrosine phosphorylation regulated kinase 1A; plus strand). Cytogenetic location: 21q22.13.
Variant type: single nucleotide variant.
Coding change: c.1589G>A on transcript NM_001347721.2 (MANE Select); coding-DNA position 1589, G replaced by A.
Protein change: p.Gly530Asp; replaces glycine 530 with aspartic acid.
Molecular consequence: missense variant. On other transcripts: intron variant (1).
Genome position (GRCh38, 1-based): chr21:37,506,168, G>A. VCF-style: chr21-37506168-G-A. GRCh37 (hg19) VCF-style: chr21-38878471-G-A.
Other names: c.1589G>A, p.Gly530Asp (NM_001347722.2, NM_130436.2); c.1502G>A, p.Gly501Asp (NM_001347723.2); c.1616G>A, p.Gly539Asp (NM_001396.5, NM_101395.2); c.1546+579G>A (NM_130438.2); short protein forms G501D, G530D, G539D.
Identifiers: ClinVar variation 1708945 (VCV001708945.5), dbSNP rs2053591123, ClinGen allele CA409938930.
Genomic context (GRCh38, chr21:37,506,168, plus strand): 5'-CGGGGACAAGCAACAGTGGGAGAGCCCGGTCGGATCCGACGCACCAGCATCGGCACAGTG[G>A]TGGGCACTTCACAGCTGCCGTGCAGGCCATGGACTGCGAGACACACAGTCCCCAGGTGAG-3'
Protein context (NP_001334650.1, residues 520-540): SDPTHQHRHS[Gly530Asp]GHFTAAVQAM